The following is an entry in ClinVar:

NM_007294.4(BRCA1):c.212+1G>A

Gene: BRCA1 (BRCA1 DNA repair associated; minus strand). Cytogenetic location: 17q21.31.
Variant type: single nucleotide variant.
Coding change: c.212+1G>A on transcript NM_007294.4 (MANE Select); the canonical splice donor site of the intron after coding-DNA position 212, G replaced by A.
Molecular consequence: splice donor variant. On other transcripts: intron variant (95).
Genome position (GRCh38, 1-based): chr17:43,106,455, C>T on the plus strand (G>A on the coding strand, the complement: BRCA1 is on the minus strand). VCF-style: chr17-43106455-C-T. GRCh37 (hg19) VCF-style: chr17-41258472-C-T.
Other names: IVS5+1G>Adel22; U14680.1:n.331+1G>A,del22; IVS5+1G>A; c.212+1G>A (NM_001407941.1, NM_001407673.1, NM_001408400.1 and 167 more transcripts); c.71+1G>A (NM_001407724.1, NM_001407697.1, NM_001407838.1 and 99 more transcripts); c.135-1499G>A (NM_001408415.1, NM_001408475.1, NM_001407875.1 and 21 more transcripts); c.2+23G>A (NM_001408483.1, NM_001407885.1, NM_001407886.1 and 58 more transcripts); c.-218-11595G>A (NM_001407967.1, NM_001407966.1); and 2 more.
Identifiers: ClinVar variation 37446 (VCV000037446.55), dbSNP rs80358042, ClinGen allele CA001405.

ClinVar aggregate classification (germline): Pathogenic. Review status: reviewed by expert panel (3 of 4 stars). 18 submissions from 17 submitters: Pathogenic (1). 17 of the submissions do not count toward it. Last evaluated 2019-06-18.

Conditions:
Familial cancer of breast. Also called: Hereditary breast cancer; hereditary breast carcinoma; BREAST CANCER, FAMILIAL. Identifiers: Orphanet 227535, MedGen C0346153, MONDO:0016419, OMIM 114480. Disease mechanism: loss of function.
Breast-ovarian cancer, familial, susceptibility to, 1 (BROVCA1). Also called: OVARIAN CANCER, SUSCEPTIBILITY TO; BRCA1 Hereditary Breast and Ovarian Cancer. Identifiers: Orphanet 145, MedGen C2676676, MONDO:0011450, OMIM 604370. Disease mechanism: loss of function.
Fanconi anemia, complementation group S (FANCS). Identifiers: MedGen C4554406, MONDO:0054748, OMIM 617883.
Breast and/or ovarian cancer. Identifiers: MedGen CN221562.
Hereditary cancer-predisposing syndrome. Also called: Tumor predisposition; Neoplastic Syndromes, Hereditary; Hereditary Cancer Syndrome; Hereditary neoplastic syndrome. Identifiers: Orphanet 140162, MedGen C0027672, MeSH D009386, MONDO:0015356.
Hereditary breast ovarian cancer syndrome. Also called: Hereditary breast and ovarian cancer syndrome (HBOC); Hereditary breast and ovarian cancer syndrome; Hereditary breast and ovarian cancer; Hereditary breast and/or ovarian cancer syndrome; Breast and ovarian cancer; BRCA1- and BRCA2-Associated Hereditary Breast and Ovarian Cancer. Identifiers: Orphanet 145, MedGen C0677776, MeSH D061325, MONDO:0003582. Disease mechanism: loss of function.

Allele frequency attached by ClinVar (database versions not stated): gnomAD exomes below 0.00001; TOPMed below 0.00001.
gnomAD v4.1: 1 of 1,575,982 alleles (0.000063%); highest among the groups gnomAD compares: Admixed American, 0.0017%; no homozygotes.

Submissions 1 to 9 of 19:

Evidence-based Network for the Interpretation of Germline Mutant Alleles (ENIGMA)
Classification: Pathogenic for Breast-ovarian cancer, familial, susceptibility to, 1. Last evaluated: 2019-06-18. Review status: reviewed by expert panel. Criteria: ENIGMA BRCA1/2 Classification Criteria (2017-06-29). Collection method: curation. Allele origin: germline.
Comment: IARC class based on posterior probability from multifactorial likelihood analysis, thresholds for class as per Plon et al. 2008 (PMID: 18951446). Class 5 based on posterior probability = 0.999995

Labcorp Genetics (formerly Invitae), Labcorp
Classification: Pathogenic for Hereditary breast ovarian cancer syndrome. Last evaluated: 2026-01-19. Review status: criteria provided, single submitter. Criteria: Invitae Variant Classification Sherloc (09022015). Collection method: clinical testing. Allele origin: germline. Not counted in ClinVar's aggregate classification.
Comment: This sequence change affects a donor splice site in intron 4 of the BRCA1 gene. RNA analysis indicates that disruption of this splice site induces altered splicing and may result in an absent or altered protein product. This variant is present in population databases (rs80358042, gnomAD 0.003%). Disruption of this splice site has been observed in individual(s) with breast and/or ovarian cancer (PMID: 8533757, 20215541, 23479189, 28477318). ClinVar contains an entry for this variant (Variation ID: 37446). Studies have shown that disruption of this splice site results in activation of a cryptic splice site, and produces a non-functional protein and/or introduces a premature termination codon (PMID: 20215541, 22505045; internal data). For these reasons, this variant has been classified as Pathogenic.

Department of Pathology and Laboratory Medicine, Sinai Health System
Classification: Pathogenic for Familial cancer of breast; Breast-ovarian cancer, familial, susceptibility to, 1; Fanconi anemia, complementation group S. Last evaluated: 2024-05-07. Review status: criteria provided, single submitter. Criteria: ACMG Guidelines, 2015. Collection method: clinical testing. Allele origin: germline. Affected: yes. Not counted in ClinVar's aggregate classification.

Quest Diagnostics Nichols Institute San Juan Capistrano
Classification: Pathogenic. Last evaluated: 2024-01-18. Review status: criteria provided, single submitter. Criteria: Quest Diagnostics criteria. Collection method: clinical testing. Allele origin: unknown. Not counted in ClinVar's aggregate classification.
Comment: The BRCA1 c.212+1G>A variant disrupts a canonical splice-donor site and interferes with normal BRCA1 mRNA splicing. This variant has been reported in the published literature in individuals affected with breast and/or ovarian cancer (PMIDs: 31454914 (2019), 28294317 (2017), 23479189 (2013), 22505045 (2012), 8533757 (1995)). The frequency of this variant in the general population, 0.000004 (1/249638 chromosomes (Genome Aggregation Database)), is consistent with pathogenicity. Based on the available information, this variant is classified as pathogenic.

Ambry Genetics
Classification: Pathogenic for Hereditary cancer-predisposing syndrome. Last evaluated: 2023-10-19. Review status: criteria provided, single submitter. Criteria: Ambry Variant Classification Scheme 2023. Collection method: clinical testing. Allele origin: germline. Not counted in ClinVar's aggregate classification.
Comment: The c.212+1G>A intronic pathogenic mutation results from a G to A substitution one nucleotide after coding exon 3 of the BRCA1 gene. This mutation has been reported in multiple breast and/or ovarian cancer families (Friedman LS et al. Am J Hum Genet. 1995 Dec;57(6):1284-97; de Juan Jim&eacute;nez I et al. Fam Cancer. 2013 Dec;12(4):767-77; Rebbeck TR et al. Hum. Mutat. 2018 05;39:593-620). Several studies have shown that this alteration leads to the deletion of the last 22 base pairs of coding exon 3 and creates a premature termination codon (Ambry internal data; Friedman LS et al. Am J Hum Genet. 1995 Dec;57(6):1284-97; Men&eacute;ndez M et al. Breast Cancer Res Treat. 2012 Apr;132(3):979-92; Houdayer C et al. Hum Mutat. 2012 Aug;33(8):1228-38; Sanz DJ et al. Clin. Cancer Res., 2010 Mar;16:1957-67). One functional study found that this nucleotide substitution is deleterious in a high throughput genome editing haploid cell survival assay (Findlay GM et al. Nature. 2018 10;562:217-222). A multifactorial likelihood ratio analysis, which included segregation, pathology, co-occurrence, and family history data, determined that this alteration is pathogenic (Parsons MT et al. Hum. Mutat. 2019 09;40(9):1557-1578). Of note, this mutation is also designated as IVS5+1G>A in published literature. In silico splice site analysis predicts that this alteration will weaken the native splice donor site. In addition to the clinical data presented in the literature, alterations that disrupt the canonical splice site are expected to cause aberrant splicing, resulting in an abnormal protein or a transcript that is subject to nonsense-mediated mRNA decay. As such, this alteration is classified as a disease-causing mutation.

Baylor Genetics
Classification: Pathogenic for Breast-ovarian cancer, familial, susceptibility to, 1. Last evaluated: 2023-10-16. Review status: criteria provided, single submitter. Criteria: ACMG Guidelines, 2015. Collection method: clinical testing. Allele origin: unknown. Not counted in ClinVar's aggregate classification.

GeneDx
Classification: Pathogenic. Last evaluated: 2022-12-12. Review status: criteria provided, single submitter. Criteria: GeneDx Variant Classification Process June 2021. Collection method: clinical testing. Allele origin: germline. Affected: yes. Not counted in ClinVar's aggregate classification.
Comment: Canonical splice site variant demonstrated to result in aberrant splicing in a gene for which loss of function is known mechanism of disease (Sanz et al., 2010, Houdayer et al., 2012; Menendez et al., 2012); Observed in individuals with BRCA1-related cancers (Esteban Cardenosa et al., 2010; Menendez et al., 2012; Wappenschmidt et al., 2012; de Juan Jimenez et al., 2013; Gabaldo Barrios et al., 2017); Published functional studies demonstrate a damaging effect: variant classified as non-functional based on a saturation genome editing (SGE) assay measuring cell survival (Findlay et al., 2018); Not observed at significant frequency in large population cohorts (gnomAD); Also known as 331+1G>A and IVS5+1G>A; This variant is associated with the following publications: (PMID: 12955716, 25863477, 29088781, 28985766, 22505045, 23348723, 25525159, 16758124, 27836010, 28477318, 26071757, 28205045, 21735045, 27886673, 23479189, 25085752, 18279628, 20033483, 26026974, 26483394, 23233716, 22798144, 25236687, 23239986, 28918466, 31131967, 29922827, 30702160, 29446198, 30720243, 32341426, 31825140, 34413315, 28888541, 20104584, 24389207, 30209399, 8533757, 20215541)

National Health Laboratory Service, Universitas Academic Hospital and University of the Free State
Classification: Pathogenic for Hereditary breast ovarian cancer syndrome. Last evaluated: 2021-11-16. Review status: criteria provided, single submitter. Criteria: ACMG Guidelines, 2015. Collection method: clinical testing. Allele origin: germline. Affected: yes. Observed: 1 variant allele. Not counted in ClinVar's aggregate classification.

Color Diagnostics, LLC DBA Color Health
Classification: Pathogenic for Hereditary cancer-predisposing syndrome. Last evaluated: 2021-03-23. Review status: criteria provided, single submitter. Criteria: ACMG Guidelines, 2015. Collection method: clinical testing. Allele origin: germline. Not counted in ClinVar's aggregate classification.
Comment: This variant causes a G to A nucleotide substitution at the +1 position of intron 4 of the BRCA1 gene. RNA studies showed this variant resulted in the use of a cryptic splice donor site in exon 4 creating a premature translation termination signal and the in-frame skipping of exon 4 impacting the RING domain (PMID: 8533757, 20215541, 31843900). A functional study reported that this variant impacts BRCA1 function in a haploid human cell proliferation assay (PMID: 30209399). This variant has been detected in multiple individuals and families affected with breast and ovarian cancer (PMID: 8533757, 20215541, 22798144, 23479189, 28294317), and has been found to segregate with disease in families with a segregation likelihood ratio for pathogenicity of 1794.1757 (PMID: 8533757, 31131967). This variant has been identified in 1/249638 chromosomes in the general population by the Genome Aggregation Database (gnomAD). Loss of BRCA1 function is a known mechanism of disease. Based on the available evidence, this variant is classified as Pathogenic.